The following is an entry in ClinVar:

NM_014491.4(FOXP2):c.1820C>T (p.Ala607Val)

Gene: FOXP2 (forkhead box P2; plus strand). Cytogenetic location: 7q31.1.
Variant type: single nucleotide variant.
Coding change: c.1820C>T on transcript NM_014491.4 (MANE Select); coding-DNA position 1820, C replaced by T.
Protein change: p.Ala607Val; replaces alanine 607 with valine.
Molecular consequence: missense variant. On other transcripts: non-coding transcript variant (2).
Genome position (GRCh38, 1-based): chr7:114,663,500, C>T. VCF-style: chr7-114663500-C-T. GRCh37 (hg19) VCF-style: chr7-114303555-C-T.
Other names: c.1817C>T, p.Ala606Val (NM_001172766.3); c.1895C>T, p.Ala632Val (NM_148898.4); c.1871C>T, p.Ala624Val (NM_148900.4); short protein forms A606V, A607V, A624V, A632V.
Identifiers: ClinVar variation 3390799 (VCV003390799.1).

ClinVar aggregate classification (germline): Uncertain significance (1 of 4 stars; one submission).

Submission:

GeneDx
Classification: Uncertain significance. Last evaluated: 2024-06-13. Review status: criteria provided, single submitter. Criteria: GeneDx Variant Classification Process June 2021. Collection method: clinical testing. Allele origin: germline. Affected: yes.
Comment: Not observed at significant frequency in large population cohorts (gnomAD); In silico analysis indicates that this missense variant does not alter protein structure/function; Has not been previously published as pathogenic or benign to our knowledge